The following is an entry in ClinVar:

NM_024652.6(LRRK1):c.1326C>G (p.Asp442Glu)

Gene: LRRK1 (leucine rich repeat kinase 1; plus strand). Cytogenetic location: 15q26.3.
Variant type: single nucleotide variant.
Coding change: c.1326C>G on transcript NM_024652.6 (MANE Select); coding-DNA position 1326, C replaced by G.
Protein change: p.Asp442Glu; replaces aspartic acid 442 with glutamic acid.
Molecular consequence: missense variant.
Genome position (GRCh38, 1-based): chr15:101,012,052, C>G. VCF-style: chr15-101012052-C-G. GRCh37 (hg19) VCF-style: chr15-101552257-C-G.
Other names: short protein forms D442E.
Identifiers: ClinVar variation 2162019 (VCV002162019.1), dbSNP rs754548120, ClinGen allele CA7760855.

ClinVar aggregate classification (germline): Uncertain significance (1 of 4 stars; one submission).

Allele frequency attached by ClinVar (database versions not stated): gnomAD exomes below 0.00001; ExAC 0.00002; gnomAD 0.00002.
gnomAD v4.1: 9 of 1,610,714 alleles (0.00056%); highest among the groups gnomAD compares: African/African-American, 0.0054%; no homozygotes.

Submission:

Labcorp Genetics (formerly Invitae), Labcorp
Classification: Uncertain significance. Last evaluated: 2022-05-30. Review status: criteria provided, single submitter. Criteria: Invitae Variant Classification Sherloc (09022015). Collection method: clinical testing. Allele origin: germline.
Comment: This sequence change replaces aspartic acid, which is acidic and polar, with glutamic acid, which is acidic and polar, at codon 442 of the LRRK1 protein (p.Asp442Glu). This variant is present in population databases (rs754548120, gnomAD 0.009%). This variant has not been reported in the literature in individuals affected with LRRK1-related conditions. Algorithms developed to predict the effect of missense changes on protein structure and function output the following: SIFT: "Tolerated"; PolyPhen-2: "Benign"; Align-GVGD: "Class C0". The glutamic acid amino acid residue is found in multiple mammalian species, which suggests that this missense change does not adversely affect protein function. In summary, the available evidence is currently insufficient to determine the role of this variant in disease. Therefore, it has been classified as a Variant of Uncertain Significance.